The following is an entry in ClinVar:

ClinVar aggregate classification (germline): Uncertain significance. Review status: criteria provided, multiple submitters, no conflicts (2 of 4 stars). 2 submissions from 2 submitters: Uncertain significance (2). Last evaluated 2023-10-03.

Conditions:
Autosomal recessive ataxia, Beauce type. Also called: Spinocerebellar ataxia, autosomal recessive 8; ATAXIA, RECESSIVE, OF BEAUCE; SYNE1 Deficiency; SYNE1-Related Autosomal Recessive Cerebellar Ataxia. Identifiers: Orphanet 88644, MedGen C1853116, MONDO:0012549, OMIM 610743.
Emery-Dreifuss muscular dystrophy 4, autosomal dominant (EDMD4). Also called: EMERY-DREIFUSS MUSCULAR DYSTROPHY 4 WITH VARIABLE FEATURES. Identifiers: Orphanet 261, MedGen C2751807, MONDO:0013071, OMIM 612998.

Allele frequency attached by ClinVar (database versions not stated): gnomAD 0.00006; TOPMed 0.00012.
gnomAD v4.1: 213 of 1,614,006 alleles (0.013%); highest among the groups gnomAD compares: East Asian, 0.018%; no homozygotes.

Submissions (2):

Labcorp Genetics (formerly Invitae), Labcorp
Classification: Uncertain significance for Emery-Dreifuss muscular dystrophy 4, autosomal dominant; Autosomal recessive ataxia, Beauce type. Last evaluated: 2023-10-03. Review status: criteria provided, single submitter. Criteria: Invitae Variant Classification Sherloc (09022015). Collection method: clinical testing. Allele origin: germline.
Comment: This sequence change falls in intron 61 of the SYNE1 gene. It does not directly change the encoded amino acid sequence of the SYNE1 protein. It affects a nucleotide within the consensus splice site. This variant is present in population databases (rs376694958, gnomAD 0.06%). This variant has not been reported in the literature in individuals affected with SYNE1-related conditions. ClinVar contains an entry for this variant (Variation ID: 290154). Variants that disrupt the consensus splice site are a relatively common cause of aberrant splicing (PMID: 17576681, 9536098). Algorithms developed to predict the effect of sequence changes on RNA splicing suggest that this variant is not likely to affect RNA splicing. In summary, the available evidence is currently insufficient to determine the role of this variant in disease. Therefore, it has been classified as a Variant of Uncertain Significance.

Eurofins Ntd Llc (ga)
Classification: Uncertain significance. Last evaluated: 2016-08-10. Review status: criteria provided, single submitter. Criteria: EGL Classification Definitions 2015. Collection method: clinical testing. Allele origin: germline. Observed: 2 variant alleles, 2 heterozygotes.

Literature cited by the submitters: PubMed 17576681 (cited by Labcorp Genetics (formerly Invitae), Labcorp); PubMed 9536098 (cited by Labcorp Genetics (formerly Invitae), Labcorp).

NM_182961.4(SYNE1):c.9807+6G>A

Gene: SYNE1 (spectrin repeat containing nuclear envelope protein 1; minus strand). Cytogenetic location: 6q25.2.
Variant type: single nucleotide variant.
Coding change: c.9807+6G>A on transcript NM_182961.4 (MANE Select); 6 bases into the intron after coding-DNA position 9807, G replaced by A.
Molecular consequence: intron variant.
Genome position (GRCh38, 1-based): chr6:152,368,966, C>T on the plus strand (G>A on the coding strand, the complement: SYNE1 is on the minus strand). VCF-style: chr6-152368966-C-T. GRCh37 (hg19) VCF-style: chr6-152690101-C-T.
Other names: c.9828+6G>A (NM_033071.5).
Identifiers: ClinVar variation 290154 (VCV000290154.12), dbSNP rs376694958, ClinGen allele CA4057205.